The following is an entry in ClinVar:

NM_000540.3(RYR1):c.7335C>T (p.Ala2445=)

Gene: RYR1 (ryanodine receptor 1; plus strand). Cytogenetic location: 19q13.2.
Variant type: single nucleotide variant.
Coding change: c.7335C>T on transcript NM_000540.3 (MANE Select); coding-DNA position 7335, C replaced by T.
Protein change: p.Ala2445=; no amino-acid change (alanine 2445 retained).
Molecular consequence: synonymous variant.
Genome position (GRCh38, 1-based): chr19:38,500,617, C>T. VCF-style: chr19-38500617-C-T. GRCh37 (hg19) VCF-style: chr19-38991257-C-T.
Other names: c.7335C>T, p.Ala2445= (NM_001042723.2).
Identifiers: ClinVar variation 1597984 (VCV001597984.9), dbSNP rs779477292, ClinGen allele CA069546.

ClinVar aggregate classification (germline): Likely benign. Review status: criteria provided, multiple submitters, no conflicts (2 of 4 stars). 3 submissions from 3 submitters: Likely benign (3). Last evaluated 2025-08-26.

Conditions:
RYR1-related disorder. Also called: RYR1-related condition; RYR1-related disorders. Identifiers: MedGen CN239331.
Malignant hyperthermia, susceptibility to, 1 (MHS1). Also called: Malignant hyperthermia suceptibility 1; Anesthesia related hyperthermia; Malignant hyperpyrexia; Fulminating hyperpyrexia; Pharmacogenic myopathy; RYR1-Related Malignant Hyperthermia Susceptibility. Identifiers: Orphanet 423, MedGen C2930980, MONDO:0007783, OMIM 145600.

Allele frequency attached by ClinVar (database versions not stated): gnomAD 0.00001; gnomAD exomes 0.00001; TOPMed 0.00001; ExAC 0.00002.
gnomAD v4.1: 16 of 1,612,850 alleles (0.00099%); highest among the groups gnomAD compares: East Asian, 0.0045%; no homozygotes.

Submissions (3):

Labcorp Genetics (formerly Invitae), Labcorp
Classification: Likely benign for RYR1-related disorder. Last evaluated: 2025-08-26. Review status: criteria provided, single submitter. Criteria: Invitae Variant Classification Sherloc (09022015). Collection method: clinical testing. Allele origin: germline.

All of Us Research Program, National Institutes of Health
Classification: Likely benign for Malignant hyperthermia, susceptibility to, 1. Last evaluated: 2023-10-02. Review status: criteria provided, single submitter. Criteria: ACMG Guidelines, 2015. Collection method: clinical testing. Allele origin: germline. Inheritance: Autosomal dominant inheritance. Observed: 3 variant alleles, 3 heterozygotes.
Comment: This study involves interpretation of variants in research participants for the purpose of population health screening. Participant phenotype was not available at the time of variant classification. Additional details can be found in publication PMID: 35346344, PMCID: PMC8962531

Color Diagnostics, LLC DBA Color Health
Classification: Likely benign for Malignant hyperthermia, susceptibility to, 1. Last evaluated: 2022-11-06. Review status: criteria provided, single submitter. Criteria: ACMG Guidelines, 2015. Collection method: clinical testing. Allele origin: germline.